The following is an entry in ClinVar:

ClinVar aggregate classification (germline): Uncertain significance (1 of 4 stars; one submission).

Submission:

Labcorp Genetics (formerly Invitae), Labcorp
Classification: Uncertain significance. Last evaluated: 2023-04-11. Review status: criteria provided, single submitter. Criteria: Invitae Variant Classification Sherloc (09022015). Collection method: clinical testing. Allele origin: germline.
Comment: This variant is not present in population databases (gnomAD no frequency). This sequence change replaces serine, which is neutral and polar, with isoleucine, which is neutral and non-polar, at codon 188 of the PITX1 protein (p.Ser188Ile). This variant has not been reported in the literature in individuals affected with PITX1-related conditions. Advanced modeling of protein sequence and biophysical properties (such as structural, functional, and spatial information, amino acid conservation, physicochemical variation, residue mobility, and thermodynamic stability) performed at Invitae indicates that this missense variant is not expected to disrupt PITX1 protein function. In summary, the available evidence is currently insufficient to determine the role of this variant in disease. Therefore, it has been classified as a Variant of Uncertain Significance.

NM_002653.5(PITX1):c.563G>T (p.Ser188Ile)

Gene: PITX1 (paired like homeodomain 1; minus strand). Cytogenetic location: 5q31.1.
Variant type: single nucleotide variant.
Coding change: c.563G>T on transcript NM_002653.5 (MANE Select); coding-DNA position 563, G replaced by T.
Protein change: p.Ser188Ile; replaces serine 188 with isoleucine.
Molecular consequence: missense variant.
Genome position (GRCh38, 1-based): chr5:135,029,161, C>A on the plus strand (G>T on the coding strand, the complement: PITX1 is on the minus strand). VCF-style: chr5-135029161-C-A. GRCh37 (hg19) VCF-style: chr5-134364851-C-A.
Other names: short protein forms S188I.
Identifiers: ClinVar variation 2844294 (VCV002844294.3), dbSNP rs2479668296, ClinGen allele CA361027986.